The following is an entry in ClinVar:

ClinVar aggregate classification (germline): Pathogenic (1 of 4 stars; one submission).

Submission:

Labcorp Genetics (formerly Invitae), Labcorp
Classification: Pathogenic. Last evaluated: 2024-04-18. Review status: criteria provided, single submitter. Criteria: Invitae Variant Classification Sherloc (09022015). Collection method: clinical testing. Allele origin: germline.
Comment: This sequence change creates a premature translational stop signal (p.Asn219Valfs*13) in the CYP4F22 gene. It is expected to result in an absent or disrupted protein product. Loss-of-function variants in CYP4F22 are known to be pathogenic (PMID: 16436457, 24397709, 26762237). This variant is not present in population databases (gnomAD no frequency). This variant has not been reported in the literature in individuals affected with CYP4F22-related conditions. For these reasons, this variant has been classified as Pathogenic.

Literature cited by the submitters: PubMed 16436457; PubMed 24397709; PubMed 26762237.

NM_173483.4(CYP4F22):c.641_654dup (p.Asn219fs)

Gene: CYP4F22 (cytochrome P450 family 4 subfamily F member 22; plus strand). Cytogenetic location: 19p13.12.
Variant type: Duplication.
Coding change: c.641_654dup on transcript NM_173483.4 (MANE Select); coding-DNA positions 641 to 654, 14 bases duplicated (GTGTCTTCAGCTAC).
Protein change: p.Asn219fs; shifts the reading frame from asparagine 219.
Molecular consequence: frameshift variant.
Genome position (GRCh38, 1-based): chr19:15,537,963-15,537,976, GTGTCTTCAGCTAC duplicated. VCF-style (leftmost placement, unchanged base first): chr19-15537962-T-TGTGTCTTCAGCTAC. GRCh37 (hg19) VCF-style: chr19-15648773-T-TGTGTCTTCAGCTAC.
Other names: short protein forms N219fs.
Identifiers: ClinVar variation 3682574 (VCV003682574.2).